The following is an entry in ClinVar:

NM_001374353.1(GLI2):c.148+42_148+43insGGTG

Gene: GLI2 (GLI family zinc finger 2; plus strand). Cytogenetic location: 2q14.2.
Variant type: Insertion.
Coding change: c.148+42_148+43insGGTG on transcript NM_001374353.1 (MANE Select); bases 42 to 43 of the intron after coding-DNA position 148, GGTG inserted.
Molecular consequence: intron variant.
Genome position: GRCh38 VCF-style: chr2-120797510-T-TGGTG. GRCh37 (hg19) VCF-style: chr2-121555086-T-TGGTG.
Other names: c.148+42_148+43insGGTG (NM_001371271.1, NM_005270.5); c.-122+42_-122+43insGGTG (NM_001374354.1).
Identifiers: ClinVar variation 3033286 (VCV003033286.2), dbSNP rs764485823, ClinGen allele CA1851424.

ClinVar aggregate classification (germline): Likely benign (0 of 4 stars; one submission).

Conditions:
GLI2-related disorder. Also called: GLI2-related condition; GLI2-related disorders.

Allele frequency attached by ClinVar (database versions not stated): ExAC 0.00016; gnomAD 0.00029; gnomAD exomes 0.00014.

Submission:

PreventionGenetics, part of Exact Sciences
Classification: Likely benign for GLI2-related condition. Last evaluated: 2019-07-15. Review status: no assertion criteria provided. Collection method: clinical testing. Allele origin: germline.
Comment: This variant is classified as likely benign based on ACMG/AMP sequence variant interpretation guidelines (Richards et al. 2015 PMID: 25741868, with internal and published modifications).